The following is an entry in ClinVar:

ClinVar aggregate classification (germline): Uncertain significance (1 of 4 stars; one submission).

Allele frequency attached by ClinVar (database versions not stated): gnomAD 0.00003 and 0.00004.
gnomAD v4.1: 6 of 1,614,068 alleles (0.00037%); highest among the groups gnomAD compares: Admixed American, 0.0083%; no homozygotes.

Submission:

Labcorp Genetics (formerly Invitae), Labcorp
Classification: Uncertain significance. Last evaluated: 2024-11-05. Review status: criteria provided, single submitter. Criteria: Invitae Variant Classification Sherloc (09022015). Collection method: clinical testing. Allele origin: germline.
Comment: This sequence change replaces aspartic acid, which is acidic and polar, with valine, which is neutral and non-polar, at codon 130 of the ADAMTS18 protein (p.Asp130Val). This variant is not present in population databases (gnomAD no frequency). This variant has not been reported in the literature in individuals affected with ADAMTS18-related conditions. ClinVar contains an entry for this variant (Variation ID: 1426098). An algorithm developed to predict the effect of missense changes on protein structure and function (PolyPhen-2) suggests that this variant is likely to be tolerated. In summary, the available evidence is currently insufficient to determine the role of this variant in disease. Therefore, it has been classified as a Variant of Uncertain Significance.

NM_199355.4(ADAMTS18):c.389A>T (p.Asp130Val)

Gene: ADAMTS18 (ADAM metallopeptidase with thrombospondin type 1 motif 18; minus strand). Cytogenetic location: 16q23.1.
Variant type: single nucleotide variant.
Coding change: c.389A>T on transcript NM_199355.4 (MANE Select); coding-DNA position 389, A replaced by T.
Protein change: p.Asp130Val; replaces aspartic acid 130 with valine.
Molecular consequence: missense variant. On other transcripts: 5 prime UTR variant (1).
Genome position (GRCh38, 1-based): chr16:77,431,401, T>A on the plus strand (A>T on the coding strand, the complement: ADAMTS18 is on the minus strand). VCF-style: chr16-77431401-T-A. GRCh37 (hg19) VCF-style: chr16-77465298-T-A.
Other names: c.-132A>T (NM_001326358.2); short protein forms D130V.
Identifiers: ClinVar variation 1426098 (VCV001426098.6), dbSNP rs918763526, ClinGen allele CA284897467.